The following is an entry in ClinVar:

ClinVar aggregate classification (germline): Uncertain significance. Review status: criteria provided, multiple submitters, no conflicts (2 of 4 stars). 2 submissions from 2 submitters: Uncertain significance (2). Last evaluated 2025-03-20.

Conditions:
Gorlin syndrome. Also called: Nevoid Basal Cell Carcinoma Syndrome; Basal cell nevus syndrome. Identifiers: Orphanet 377, MedGen C0004779, MONDO:0007187.
Medulloblastoma (MDB). Also called: Medulloblastoma, somatic; MEDULLOBLASTOMA PREDISPOSITION SYNDROME. Identifiers: Orphanet 616, MedGen C0025149, MeSH D008527, MONDO:0007959, OMIM 155255, HP:0002885.
Hereditary cancer-predisposing syndrome. Also called: Neoplastic Syndromes, Hereditary; Tumor predisposition; Hereditary Cancer Syndrome; Hereditary neoplastic syndrome. Identifiers: Orphanet 140162, MedGen C0027672, MeSH D009386, MONDO:0015356.

gnomAD v4.1: 1 of 1,614,216 alleles (0.000062%); highest among the groups gnomAD compares: Non-Finnish European, 0.000085%; no homozygotes.

Submissions (2):

Ambry Genetics
Classification: Uncertain significance for Hereditary cancer-predisposing syndrome. Last evaluated: 2025-03-20. Review status: criteria provided, single submitter. Criteria: Ambry Variant Classification Scheme 2023. Collection method: clinical testing. Allele origin: germline.
Comment: The p.P183L variant (also known as c.548C>T), located in coding exon 4 of the SUFU gene, results from a C to T substitution at nucleotide position 548. The proline at codon 183 is replaced by leucine, an amino acid with similar properties. This amino acid position is conserved. In addition, this alteration is predicted to be deleterious by in silico analysis. Based on the available evidence, the clinical significance of this variant remains unclear.

Labcorp Genetics (formerly Invitae), Labcorp
Classification: Uncertain significance for Gorlin syndrome; Medulloblastoma. Last evaluated: 2024-06-26. Review status: criteria provided, single submitter. Criteria: Invitae Variant Classification Sherloc (09022015). Collection method: clinical testing. Allele origin: germline.
Comment: This sequence change replaces proline, which is neutral and non-polar, with leucine, which is neutral and non-polar, at codon 183 of the SUFU protein (p.Pro183Leu). This variant is not present in population databases (gnomAD no frequency). This variant has not been reported in the literature in individuals affected with SUFU-related conditions. Advanced modeling of protein sequence and biophysical properties (such as structural, functional, and spatial information, amino acid conservation, physicochemical variation, residue mobility, and thermodynamic stability) performed at Invitae indicates that this missense variant is not expected to disrupt SUFU protein function with a negative predictive value of 80%. In summary, the available evidence is currently insufficient to determine the role of this variant in disease. Therefore, it has been classified as a Variant of Uncertain Significance.

NM_016169.4(SUFU):c.548C>T (p.Pro183Leu)

Gene: SUFU (SUFU negative regulator of hedgehog signaling; plus strand). Cytogenetic location: 10q24.32.
Variant type: single nucleotide variant.
Coding change: c.548C>T on transcript NM_016169.4 (MANE Select); coding-DNA position 548, C replaced by T.
Protein change: p.Pro183Leu; replaces proline 183 with leucine.
Molecular consequence: missense variant.
Genome position (GRCh38, 1-based): chr10:102,592,675, C>T. VCF-style: chr10-102592675-C-T. GRCh37 (hg19) VCF-style: chr10-104352432-C-T.
Other names: c.548C>T, p.Pro183Leu (NM_001178133.2); short protein forms P183L.
Identifiers: ClinVar variation 3757439 (VCV003757439.3).